The following is an entry in ClinVar:

NM_000548.5(TSC2):c.3884-2A>T

Gene: TSC2 (TSC complex subunit 2; plus strand). Cytogenetic location: 16p13.3.
Variant type: single nucleotide variant.
Coding change: c.3884-2A>T on transcript NM_000548.5 (MANE Select); the canonical splice acceptor site of the intron before coding-DNA position 3884, A replaced by T.
Molecular consequence: splice acceptor variant.
Genome position (GRCh38, 1-based): chr16:2,083,693, A>T. VCF-style: chr16-2083693-A-T. GRCh37 (hg19) VCF-style: chr16-2133694-A-T.
Other names: c.2342-2A>T (NM_001406693.1, NM_001406692.1, NM_001406694.1); c.3776-2A>T (NM_001406667.1); c.3773-2A>T (NM_001406668.1); c.3284-2A>T (NM_001406680.1); c.3215-2A>T (NM_001406683.1, NM_001406682.1); c.3083-2A>T (NM_001406687.1, NM_001406688.1); c.2471-2A>T (NM_001406689.1); c.2411-2A>T (NM_001406690.1); and 26 more.
Identifiers: ClinVar variation 49515 (VCV000049515.5), dbSNP rs137854053, ClinGen allele CA019641.

ClinVar aggregate classification (germline): Pathogenic. Review status: criteria provided, single submitter (1 of 4 stars). 2 submissions from 2 submitters: Pathogenic (1). 1 of the submissions does not count toward it. Last evaluated 2023-04-23.

Conditions:
Tuberous sclerosis 2 (TSC2). Identifiers: Orphanet 805, MedGen C1860707, MONDO:0013199, OMIM 613254.
Tuberous sclerosis syndrome (TSC). Also called: Tuberous Sclerosis Complex; Tuberous sclerosis. Identifiers: Orphanet 805, MedGen C0041341, MONDO:0001734.

Submissions (2):

Labcorp Genetics (formerly Invitae), Labcorp
Classification: Pathogenic for Tuberous sclerosis 2. Last evaluated: 2023-04-23. Review status: criteria provided, single submitter. Criteria: Invitae Variant Classification Sherloc (09022015). Collection method: clinical testing. Allele origin: germline.
Comment: This sequence change affects an acceptor splice site in intron 32 of the TSC2 gene. It is expected to disrupt RNA splicing. Variants that disrupt the donor or acceptor splice site typically lead to a loss of protein function (PMID: 16199547), and loss-of-function variants in TSC2 are known to be pathogenic (PMID: 10205261, 17304050). For these reasons, this variant has been classified as Pathogenic. Algorithms developed to predict the effect of sequence changes on RNA splicing suggest that this variant may disrupt the consensus splice site. ClinVar contains an entry for this variant (Variation ID: 49515). Disruption of this splice site has been observed in individual(s) with tuberous sclerosis complex (Invitae). This variant is not present in population databases (gnomAD no frequency).

Tuberous sclerosis database (TSC2)
No classification provided. Condition: TSC. Review status: no classification provided. Criteria: Tuberous Sclerosis Database Assertion Criteria 2015. Collection method: curation. Allele origin: germline. Affected: yes. Not counted in ClinVar's aggregate classification.

Literature cited by the submitters: PubMed 16199547 (cited by Labcorp Genetics (formerly Invitae), Labcorp); PubMed 10205261 (cited by Labcorp Genetics (formerly Invitae), Labcorp); PubMed 17304050 (cited by Labcorp Genetics (formerly Invitae), Labcorp).